The following is an entry in ClinVar:

ClinVar aggregate classification (germline): Uncertain significance. Review status: criteria provided, multiple submitters, no conflicts (2 of 4 stars). 2 submissions from 2 submitters: Uncertain significance (2). Last evaluated 2024-11-11.

Conditions:
Inborn genetic diseases. Identifiers: MedGen C0950123, MeSH D030342.
GM3 synthase deficiency (SPDRS). Also called: SALT AND PEPPER DEVELOPMENTAL REGRESSION SYNDROME; SALT AND PEPPER MENTAL RETARDATION SYNDROME; AMISH INFANTILE EPILEPSY SYNDROME. Identifiers: Orphanet 171714, Orphanet 370933, MedGen C1836824, MONDO:0018274, OMIM 609056.

Submissions (2):

Labcorp Genetics (formerly Invitae), Labcorp
Classification: Uncertain significance for GM3 synthase deficiency. Last evaluated: 2024-11-11. Review status: criteria provided, single submitter. Criteria: Invitae Variant Classification Sherloc (09022015). Collection method: clinical testing. Allele origin: germline.
Comment: This variant, c.287_289del, results in the deletion of 1 amino acid(s) of the ST3GAL5 protein (p.Lys96del), but otherwise preserves the integrity of the reading frame. This variant is present in population databases (rs779767507, gnomAD 0.02%). This variant has not been reported in the literature in individuals affected with ST3GAL5-related conditions. ClinVar contains an entry for this variant (Variation ID: 949035). Experimental studies and prediction algorithms are not available or were not evaluated, and the functional significance of this variant is currently unknown. In summary, the available evidence is currently insufficient to determine the role of this variant in disease. Therefore, it has been classified as a Variant of Uncertain Significance.

Ambry Genetics
Classification: Uncertain significance for Inborn genetic diseases. Last evaluated: 2022-05-11. Review status: criteria provided, single submitter. Criteria: Ambry Variant Classification Scheme 2023. Collection method: clinical testing. Allele origin: germline.
Comment: The c.287_289delAAA (p.K96del) alteration is located in exon 3 (coding exon 3) of the ST3GAL5 gene. This alteration consists of an in-frame deletion of 3 nucleotides between nucleotide positions c.287 and c.289, resulting in the deletion of <NA> residues. Based on insufficient or conflicting evidence, the clinical significance of this alteration remains unclear.

NM_003896.4(ST3GAL5):c.287_289del (p.Lys96del)

Gene: ST3GAL5 (ST3 beta-galactoside alpha-2,3-sialyltransferase 5; minus strand). Cytogenetic location: 2p11.2.
Variant type: Deletion.
Coding change: c.287_289del on transcript NM_003896.4 (MANE Select); coding-DNA positions 287 to 289, 3 bases deleted (AAA; older notation c.287_289delAAA).
Protein change: p.Lys96del; deletes lysine 96.
Molecular consequence: inframe deletion. On other transcripts: 5 prime UTR variant (5).
Genome position (GRCh38, 1-based): chr2:85,861,210-85,861,212, TTT deleted on the plus strand (AAA on the coding strand, the reverse complement: ST3GAL5 is on the minus strand); deleting any 3 consecutive bases within chr2:85,861,210-85,861,216 gives the same sequence; the c. name uses the placement nearest the transcript's 3' end. VCF-style (leftmost placement, unchanged base first): chr2-85861209-ATTT-A. GRCh37 (hg19) VCF-style: chr2-86088332-ATTT-A.
Other names: c.218_220del, p.Lys73del (NM_001042437.2); c.-275_-273del (NM_001354223.2, NM_001354226.2); c.-338_-336del (NM_001354224.2); c.203_205del, p.Lys68del (NM_001354227.2, NM_001354229.2, NM_001354238.1); c.-715_-713del (NM_001354233.2); c.-679_-677del (NM_001354234.1); c.287_289del, p.Lys96del (NM_001363847.1); c.287_289delAAA (NM_003896.3); short protein forms K73del, K68del, K96del.
Identifiers: ClinVar variation 949035 (VCV000949035.9), dbSNP rs779767507, ClinGen allele CA1745119.